The following is an entry in ClinVar:

ClinVar aggregate classification (germline): Pathogenic. Review status: criteria provided, multiple submitters, no conflicts (2 of 4 stars). 3 submissions from 3 submitters: Pathogenic (3). Last evaluated 2024-10-11.

Conditions:
VPS13A-related neurodegenerative disease. Also called: ACANTHOCYTOSIS WITH NEUROLOGIC DISORDER; LEVINE-CRITCHLEY SYNDROME; Choreoacanthocytosis; Chorea-acanthocytosis; VPS13A Disease; Choreaacanthocytosis. Identifiers: Orphanet 2388, MedGen C0393576, MONDO:0008695, OMIM 200150.

Allele frequency attached by ClinVar (database versions not stated): gnomAD exomes below 0.00001.
gnomAD v4.1: 23 of 1,612,592 alleles (0.0014%); highest among the groups gnomAD compares: Non-Finnish European, 0.0019%; no homozygotes.

Submissions (3):

Victorian Clinical Genetics Services, Murdoch Childrens Research Institute
Classification: Pathogenic for VPS13A-related neurodegenerative disease. Last evaluated: 2024-10-11. Review status: criteria provided, single submitter. Criteria: ACMG Guidelines, 2015. Collection method: clinical testing. Allele origin: germline.
Comment: This variant is classified as Pathogenic. Evidence in support of pathogenic classification: Variant is predicted to cause nonsense-mediated decay (NMD) and loss of protein (premature termination codon is located at least 54 nucleotides upstream of the final exon-exon junction); Variant is present in gnomAD <0.01 for a recessive condition (v4: 23 heterozygote(s), 0 homozygote(s)); This variant has limited previous evidence of pathogenicity in unrelated individuals. This variant has been classified as pathogenic by a clinical laboratory in ClinVar and has been reported in an assumed compound heterozygous individual with choreoacanthocytosis (PMID: 12404112); Other NMD-predicted variant(s) comparable to the one identified in this case have very strong previous evidence for pathogenicity (DECIPHER). Additional information: This variant is heterozygous; This gene is associated with autosomal recessive disease; No published segregation evidence has been identified for this variant; No published functional evidence has been identified for this variant; Loss of function is a known mechanism of disease in this gene and is associated with choreoacanthocytosis (MIM#200150); Variants in this gene are known to have variable expressivity (PMID: 20301561).

Myriad Genetics, Inc.
Classification: Pathogenic for VPS13A-related neurodegenerative disease. Last evaluated: 2024-05-14. Review status: criteria provided, single submitter. Criteria: Myriad Autosomal Dominant, Autosomal Recessive and X-Linked Classification Criteria (2023). Collection method: clinical testing. Allele origin: unknown.
Comment: NM_033305.2(VPS13A):c.7005G>A(W2335*) is expected to be pathogenic in the context of VPS13A disease. This variant is predicted to lead to an abnormal or absent protein product due to the creation of a premature termination codon in VPS13A, a gene where loss-of-function variants are known to be pathogenic. Please note: this variant was assessed in the context of healthy population screening.

Labcorp Genetics (formerly Invitae), Labcorp
Classification: Pathogenic. Last evaluated: 2020-08-10. Review status: criteria provided, single submitter. Criteria: Invitae Variant Classification Sherloc (09022015). Collection method: clinical testing. Allele origin: germline.
Comment: For these reasons, this variant has been classified as Pathogenic. Loss-of-function variants in VPS13A are known to be pathogenic (PMID: 12404112, 21598378). This variant has been observed in individual(s) with choreoacanthocytosis (PMID: 12404112). This variant is not present in population databases (ExAC no frequency). This sequence change creates a premature translational stop signal (p.Trp2335*) in the VPS13A gene. It is expected to result in an absent or disrupted protein product.

Literature cited by the submitters: PubMed 12404112 (cited by Victorian Clinical Genetics Services, Murdoch Childrens Research Institute and Labcorp Genetics (formerly Invitae), Labcorp); PubMed 20301561 (cited by Victorian Clinical Genetics Services, Murdoch Childrens Research Institute); PubMed 21598378 (cited by Labcorp Genetics (formerly Invitae), Labcorp).

NM_033305.3(VPS13A):c.7005G>A (p.Trp2335Ter)

Gene: VPS13A (vacuolar protein sorting 13 homolog A; plus strand). Cytogenetic location: 9q21.2.
Variant type: single nucleotide variant.
Coding change: c.7005G>A on transcript NM_033305.3 (MANE Select); coding-DNA position 7005, G replaced by A.
Protein change: p.Trp2335Ter; replaces tryptophan 2335 with a stop codon.
Molecular consequence: nonsense.
Genome position (GRCh38, 1-based): chr9:77,340,529, G>A. VCF-style: chr9-77340529-G-A. GRCh37 (hg19) VCF-style: chr9-79955445-G-A.
Other names: c.6888G>A, p.Trp2296Ter (NM_001018037.2); c.7005G>A, p.Trp2335Ter (NM_001018038.3, NM_015186.4); short protein forms W2296*, W2335*.
Identifiers: ClinVar variation 1070414 (VCV001070414.12), dbSNP rs1563939611, ClinGen allele CA373852132.